The following is an entry in ClinVar:

ClinVar aggregate classification (germline): Uncertain significance. Review status: criteria provided, multiple submitters, no conflicts (2 of 4 stars). 4 submissions from 4 submitters: Uncertain significance (3). 1 of the submissions does not count toward it. Last evaluated 2026-01-03.

Conditions:
Inborn genetic diseases. Identifiers: MedGen C0950123, MeSH D030342.
ANKRD26-related disorder. Also called: ANKRD26-related condition.

Allele frequency attached by ClinVar (database versions not stated): gnomAD exomes 0.00001 and 0.00002; gnomAD 0.00003; ExAC 0.00001; TOPMed 0.00002.
gnomAD v4.1: 36 of 1,612,572 alleles (0.0022%); highest among the groups gnomAD compares: Non-Finnish European, 0.0029%; no homozygotes.

Submissions (4):

Labcorp Genetics (formerly Invitae), Labcorp
Classification: Uncertain significance. Last evaluated: 2026-01-03. Review status: criteria provided, single submitter. Criteria: Invitae Variant Classification Sherloc (09022015). Collection method: clinical testing. Allele origin: germline.
Comment: This sequence change replaces leucine, which is neutral and non-polar, with arginine, which is basic and polar, at codon 180 of the ANKRD26 protein (p.Leu180Arg). This variant is present in population databases (rs757591227, gnomAD 0.002%). This variant has not been reported in the literature in individuals affected with ANKRD26-related conditions. ClinVar contains an entry for this variant (Variation ID: 1700544). An algorithm developed to predict the effect of missense changes on protein structure and function (PolyPhen-2) suggests that this variant is likely to be tolerated. In summary, the available evidence is currently insufficient to determine the role of this variant in disease. Therefore, it has been classified as a Variant of Uncertain Significance.

Ambry Genetics
Classification: Uncertain significance for Inborn genetic diseases. Last evaluated: 2024-11-22. Review status: criteria provided, single submitter. Criteria: Ambry Variant Classification Scheme 2023. Collection method: clinical testing. Allele origin: germline.
Comment: The p.L180R variant (also known as c.539T>G), located in coding exon 4 of the ANKRD26 gene, results from a T to G substitution at nucleotide position 539. The leucine at codon 180 is replaced by arginine, an amino acid with dissimilar properties. This amino acid position is conserved. In addition, this alteration is predicted to be tolerated by in silico analysis. Based on the available evidence, the clinical significance of this variant remains unclear.

GeneDx
Classification: Uncertain significance. Last evaluated: 2023-03-07. Review status: criteria provided, single submitter. Criteria: GeneDx Variant Classification Process June 2021. Collection method: clinical testing. Allele origin: germline. Affected: yes.
Comment: Not observed at significant frequency in large population cohorts (gnomAD); In silico analysis supports that this missense variant has a deleterious effect on protein structure/function; Has not been previously published as pathogenic or benign to our knowledge

PreventionGenetics, part of Exact Sciences
Classification: Uncertain significance for ANKRD26-related condition. Last evaluated: 2024-04-25. Review status: no assertion criteria provided. Collection method: clinical testing. Allele origin: germline. Not counted in ClinVar's aggregate classification.
Comment: The ANKRD26 c.539T>G variant is predicted to result in the amino acid substitution p.Leu180Arg. To our knowledge, this variant has not been reported in the literature. This variant is reported in 0.0023% of alleles in individuals of European (Non-Finnish) descent in gnomAD. At this time, the clinical significance of this variant is uncertain due to the absence of conclusive functional and genetic evidence.

NM_014915.3(ANKRD26):c.539T>G (p.Leu180Arg)

Gene: ANKRD26 (ankyrin repeat domain 26; minus strand). Cytogenetic location: 10p12.1.
Variant type: single nucleotide variant.
Coding change: c.539T>G on transcript NM_014915.3 (MANE Select); coding-DNA position 539, T replaced by G.
Protein change: p.Leu180Arg; replaces leucine 180 with arginine.
Molecular consequence: missense variant.
Genome position (GRCh38, 1-based): chr10:27,092,505, A>C on the plus strand (T>G on the coding strand, the complement: ANKRD26 is on the minus strand). VCF-style: chr10-27092505-A-C. GRCh37 (hg19) VCF-style: chr10-27381434-A-C.
Other names: c.539T>G, p.Leu180Arg (NM_001256053.2); short protein forms L180R.
Identifiers: ClinVar variation 1700544 (VCV001700544.9), dbSNP rs757591227, ClinGen allele CA5448893.